The following is an entry in ClinVar:

NM_005751.5(AKAP9):c.6476C>T (p.Ala2159Val)

Gene: AKAP9 (A-kinase anchoring protein 9; plus strand). Cytogenetic location: 7q21.2.
Variant type: single nucleotide variant.
Coding change: c.6476C>T on transcript NM_005751.5 (MANE Select); coding-DNA position 6476, C replaced by T.
Protein change: p.Ala2159Val; replaces alanine 2159 with valine.
Molecular consequence: missense variant.
Genome position (GRCh38, 1-based): chr7:92,070,175, C>T. VCF-style: chr7-92070175-C-T. GRCh37 (hg19) VCF-style: chr7-91699489-C-T.
Other names: c.6476C>T (NM_005751.4); c.1121C>T, p.Ala374Val (NM_001379277.1); c.6476C>T, p.Ala2159Val (NM_147185.3); short protein forms A2159V, A374V.
Identifiers: ClinVar variation 1053104 (VCV001053104.11), dbSNP rs772512812, ClinGen allele CA4337082.

ClinVar aggregate classification (germline): Uncertain significance. Review status: criteria provided, multiple submitters, no conflicts (2 of 4 stars). 2 submissions from 2 submitters: Uncertain significance (2). Last evaluated 2025-11-04.

Conditions:
Cardiovascular phenotype. Identifiers: MedGen CN230736.
Long QT syndrome (LQTS). Identifiers: MedGen C0023976, MeSH D008133, MONDO:0002442. Disease mechanism: loss of function. Inheritance: Various modes of inheritance.

Allele frequency attached by ClinVar (database versions not stated): gnomAD exomes below 0.00001 and 0.00001; ExAC 0.00001; gnomAD 0.00003; TOPMed 0.00003.
gnomAD v4.1: 18 of 1,613,830 alleles (0.0011%); highest among the groups gnomAD compares: African/African-American, 0.0013%; no homozygotes.

Submissions (2):

Ambry Genetics
Classification: Uncertain significance for Cardiovascular phenotype. Last evaluated: 2025-11-04. Review status: criteria provided, single submitter. Criteria: Ambry Variant Classification Scheme 2023. Collection method: clinical testing. Allele origin: germline.
Comment: The p.A2159V variant (also known as c.6476C>T), located in coding exon 27 of the AKAP9 gene, results from a C to T substitution at nucleotide position 6476. The alanine at codon 2159 is replaced by valine, an amino acid with similar properties. This amino acid position is conserved. In addition, this alteration is predicted to be tolerated by in silico analysis. Since supporting evidence is limited at this time, the clinical significance of this alteration remains unclear.

Labcorp Genetics (formerly Invitae), Labcorp
Classification: Uncertain significance for Long QT syndrome. Last evaluated: 2025-08-12. Review status: criteria provided, single submitter. Criteria: Invitae Variant Classification Sherloc (09022015). Collection method: clinical testing. Allele origin: germline.
Comment: This sequence change replaces alanine, which is neutral and non-polar, with valine, which is neutral and non-polar, at codon 2159 of the AKAP9 protein (p.Ala2159Val). This variant is present in population databases (rs772512812, gnomAD 0.0009%). This variant has not been reported in the literature in individuals affected with AKAP9-related conditions. ClinVar contains an entry for this variant (Variation ID: 1053104). An algorithm developed to predict the effect of missense changes on protein structure and function (PolyPhen-2) suggests that this variant is likely to be disruptive. In summary, the available evidence is currently insufficient to determine the role of this variant in disease. Therefore, it has been classified as a Variant of Uncertain Significance.